The following is an entry in ClinVar:

ClinVar aggregate classification (germline): Uncertain significance (1 of 4 stars; one submission).

Conditions:
Muscular dystrophy-dystroglycanopathy type B6 (MDDGB6). Also called: MUSCULAR DYSTROPHY-DYSTROGLYCANOPATHY (CONGENITAL WITH IMPAIRED INTELLECTUAL DEVELOPMENT), TYPE B, 6; MUSCULAR DYSTROPHY, CONGENITAL, LARGE-RELATED; MUSCULAR DYSTROPHY, CONGENITAL, TYPE 1D. Identifiers: MedGen C1837229, MONDO:0012138, OMIM 608840.

Submission:

Labcorp Genetics (formerly Invitae), Labcorp
Classification: Uncertain significance for Muscular dystrophy-dystroglycanopathy type B6. Last evaluated: 2023-08-04. Review status: criteria provided, single submitter. Criteria: Invitae Variant Classification Sherloc (09022015). Collection method: clinical testing. Allele origin: germline.
Comment: This sequence change replaces glutamine, which is neutral and polar, with histidine, which is basic and polar, at codon 314 of the LARGE1 protein (p.Gln314His). In summary, the available evidence is currently insufficient to determine the role of this variant in disease. Therefore, it has been classified as a Variant of Uncertain Significance. Advanced modeling of protein sequence and biophysical properties (such as structural, functional, and spatial information, amino acid conservation, physicochemical variation, residue mobility, and thermodynamic stability) performed at Invitae indicates that this missense variant is not expected to disrupt LARGE1 protein function. ClinVar contains an entry for this variant (Variation ID: 565900). This variant has not been reported in the literature in individuals affected with LARGE1-related conditions. This variant is not present in population databases (gnomAD no frequency).

NM_133642.5(LARGE1):c.942G>T (p.Gln314His)

Gene: LARGE1 (LARGE xylosyl- and glucuronyltransferase 1; minus strand). Cytogenetic location: 22q12.3.
Variant type: single nucleotide variant.
Coding change: c.942G>T on transcript NM_133642.5 (MANE Select); coding-DNA position 942, G replaced by T.
Protein change: p.Gln314His; replaces glutamine 314 with histidine.
Molecular consequence: missense variant.
Genome position (GRCh38, 1-based): chr22:33,384,255, C>A on the plus strand (G>T on the coding strand, the complement: LARGE1 is on the minus strand). VCF-style: chr22-33384255-C-A. GRCh37 (hg19) VCF-style: chr22-33780241-C-A.
Other names: c.942G>T, p.Gln314His (NM_001362949.2, NM_001362951.2, NM_001362953.2 and 7 more transcripts); c.339G>T, p.Gln113His (NM_001378630.1, NM_001378631.1); short protein forms Q314H, Q113H.
Identifiers: ClinVar variation 565900 (VCV000565900.12), dbSNP rs776701293, ClinGen allele CA411545157.